The following is an entry in ClinVar:

ClinVar aggregate classification (germline): Uncertain significance (1 of 4 stars; one submission).

Allele frequency attached by ClinVar (database versions not stated): gnomAD exomes below 0.00001.
gnomAD v4.1: 1 of 1,614,070 alleles (0.000062%); highest among the groups gnomAD compares: Non-Finnish European, 0.000085%; no homozygotes.

Submission:

GeneDx
Classification: Uncertain significance. Last evaluated: 2021-10-29. Review status: criteria provided, single submitter. Criteria: GeneDx Variant Classification Process June 2021. Collection method: clinical testing. Allele origin: germline. Affected: yes.
Comment: Not observed at significant frequency in large population cohorts (Lek et al., 2016); In silico analysis supports that this missense variant has a deleterious effect on protein structure/function; Has not been previously published as pathogenic or benign to our knowledge

NM_014975.3(MAST1):c.851G>A (p.Arg284His)

Gene: MAST1 (microtubule associated serine/threonine kinase 1; plus strand). Cytogenetic location: 19p13.13.
Variant type: single nucleotide variant.
Coding change: c.851G>A on transcript NM_014975.3 (MANE Select); coding-DNA position 851, G replaced by A.
Protein change: p.Arg284His; replaces arginine 284 with histidine.
Molecular consequence: missense variant.
Genome position (GRCh38, 1-based): chr19:12,852,010, G>A. VCF-style: chr19-12852010-G-A. GRCh37 (hg19) VCF-style: chr19-12962824-G-A.
Other names: short protein forms R284H.
Identifiers: ClinVar variation 1321494 (VCV001321494.2), dbSNP rs1969965930, ClinGen allele CA404264068.